The following is an entry in ClinVar:

NM_001903.5(CTNNA1):c.1615G>A (p.Asp539Asn)

Gene: CTNNA1 (catenin alpha 1; plus strand). Cytogenetic location: 5q31.2.
Variant type: single nucleotide variant.
Coding change: c.1615G>A on transcript NM_001903.5 (MANE Select); coding-DNA position 1615, G replaced by A.
Protein change: p.Asp539Asn; replaces aspartic acid 539 with asparagine.
Molecular consequence: missense variant.
Genome position (GRCh38, 1-based): chr5:138,924,578, G>A. VCF-style: chr5-138924578-G-A. GRCh37 (hg19) VCF-style: chr5-138260267-G-A.
Other names: c.1615G>A, p.Asp539Asn (NM_001290307.3, NM_001323982.2, NM_001323983.1 and 2 more transcripts); c.1306G>A, p.Asp436Asn (NM_001290309.3); c.1246G>A, p.Asp416Asn (NM_001290310.3); c.505G>A, p.Asp169Asn (NM_001290312.1, NM_001323987.1, NM_001323988.1 and 17 more transcripts); c.1522G>A, p.Asp508Asn (NM_001323986.2); c.166G>A, p.Asp56Asn (NM_001324006.1, NM_001324007.1, NM_001324008.1 and 2 more transcripts); c.412G>A, p.Asp138Asn (NM_001324011.1); c.262G>A, p.Asp88Asn (NM_001324012.1, NM_001324013.1); short protein forms D436N, D508N, D56N, D88N, D138N, D416N, D169N, D539N.
Identifiers: ClinVar variation 1776476 (VCV001776476.2), dbSNP rs547329141, ClinGen allele CA361131828.

ClinVar aggregate classification (germline): Uncertain significance (1 of 4 stars; one submission).

Conditions:
Hereditary cancer-predisposing syndrome. Also called: Neoplastic Syndromes, Hereditary; Tumor predisposition; Hereditary Cancer Syndrome; Hereditary neoplastic syndrome. Identifiers: Orphanet 140162, MedGen C0027672, MeSH D009386, MONDO:0015356.

gnomAD v4.1: 1 of 1,614,060 alleles (0.000062%); highest among the groups gnomAD compares: South Asian, 0.0011%; no homozygotes.

Submission:

Ambry Genetics
Classification: Uncertain significance for Hereditary cancer-predisposing syndrome. Last evaluated: 2021-11-16. Review status: criteria provided, single submitter. Criteria: Ambry Variant Classification Scheme 2023. Collection method: clinical testing. Allele origin: germline.
Comment: The p.D539N variant (also known as c.1615G>A), located in coding exon 11 of the CTNNA1 gene, results from a G to A substitution at nucleotide position 1615. The aspartic acid at codon 539 is replaced by asparagine, an amino acid with highly similar properties. This amino acid position is conserved. In addition, this alteration is predicted to be tolerated by in silico analysis. Since supporting evidence is limited at this time, the clinical significance of this alteration remains unclear.